The following is an entry in ClinVar:

NM_001198800.3(ASCC1):c.323A>G (p.Gln108Arg)

Gene: ASCC1 (activating signal cointegrator 1 complex subunit 1; minus strand). Cytogenetic location: 10q22.1.
Variant type: single nucleotide variant.
Coding change: c.323A>G on transcript NM_001198800.3 (MANE Select); coding-DNA position 323, A replaced by G.
Protein change: p.Gln108Arg; replaces glutamine 108 with arginine.
Molecular consequence: missense variant. On other transcripts: non-coding transcript variant (1).
Genome position (GRCh38, 1-based): chr10:72,196,977, T>C on the plus strand (A>G on the coding strand, the complement: ASCC1 is on the minus strand). VCF-style: chr10-72196977-T-C. GRCh37 (hg19) VCF-style: chr10-73956735-T-C.
Other names: c.323A>G, p.Gln108Arg (NM_001198798.2, NM_001369087.1, NM_001369088.1 and 18 more transcripts); c.407A>G, p.Gln136Arg (NM_001198799.3); c.389A>G, p.Gln130Arg (NM_001369085.1, NM_001369086.1, NM_001369099.1); c.206A>G, p.Gln69Arg (NM_001369101.1, NM_001369102.1, NM_001369105.1 and 2 more transcripts); short protein forms Q69R, Q108R, Q130R, Q136R.
Identifiers: ClinVar variation 4767472 (VCV004767472.1).
Genomic context (GRCh38, chr10:72,196,977, plus strand): 5'-CGAAAAGTGTCCAAAAGAACATCAATCCGTGTTCGGGCTGAAATTACACCATTTCGATGC[T>C]GGCCAGTGATTACTGTAAACAAAGAAGAAAGGGTAAACTGCTCAAGGACCCCCAAATGCT-3'
Protein context (NP_001185729.1, residues 98-118): GQDGEIVITG[Gln108Arg]HRNGVISART

ClinVar aggregate classification (germline): Uncertain significance (1 of 4 stars; one submission).

gnomAD v4.1: 1 of 1,613,690 alleles (0.000062%); highest among the groups gnomAD compares: Admixed American, 0.0017%; no homozygotes.

Submission:

Labcorp Genetics (formerly Invitae), Labcorp
Classification: Uncertain significance. Last evaluated: 2025-05-03. Review status: criteria provided, single submitter. Criteria: Invitae Variant Classification Sherloc (09022015). Collection method: clinical testing. Allele origin: germline.
Comment: This sequence change replaces glutamine, which is neutral and polar, with arginine, which is basic and polar, at codon 108 of the ASCC1 protein (p.Gln108Arg). This variant is not present in population databases (gnomAD no frequency). This variant has not been reported in the literature in individuals affected with ASCC1-related conditions. Invitae Evidence Modeling of protein sequence and biophysical properties (such as structural, functional, and spatial information, amino acid conservation, physicochemical variation, residue mobility, and thermodynamic stability) indicates that this missense variant is not expected to disrupt ASCC1 protein function with a negative predictive value of 80%. In summary, the available evidence is currently insufficient to determine the role of this variant in disease. Therefore, it has been classified as a Variant of Uncertain Significance.